The following is an entry in ClinVar:

ClinVar aggregate classification (germline): Pathogenic (1 of 4 stars; one submission).

Conditions:
Congenital disorder of deglycosylation 1. Also called: NGLY1-deficiency; NGLY1-Related Congenital Disorder of Deglycosylation. Identifiers: Orphanet 404454, MedGen CN306977, MONDO:0800044, OMIM 615273.

Submission:

Systems Biology Laboratory, Department of Convergent Bioscience and Informatics, Chungnam National University
Classification: Pathogenic for Congenital disorder of deglycosylation 1. Last evaluated: 2026-10-01. Review status: criteria provided, single submitter. Criteria: ACMG Guidelines, 2015. Collection method: research. Allele origin: maternal. Inheritance: Autosomal recessive inheritance. Affected: yes. Observed: 1 variant allele, 1 compound heterozygote.
Comment: PVS1 (deletion of exons 1-2 including the translation start codon in a gene where loss of function is the disease mechanism, 8) + PM3 (in trans with the likely pathogenic missense variant c.925T>C, phase confirmed, 2) + PM2_Supporting (no matching deletion in gnomAD-SV v4, 1) = 11 points. Breakpoints resolved at base-pair resolution from a haplotype-resolved long-read assembly.

NC_000003.12:g.25772509_25789096del

Genes: NGLY1 (N-glycanase 1; minus strand), LOC129936376 (ATAC-STARR-seq lymphoblastoid active region 19609; plus strand), LOC129936377 (ATAC-STARR-seq lymphoblastoid active region 19610; plus strand), LOC129936378 (ATAC-STARR-seq lymphoblastoid active region 19611; plus strand), LOC129936379 (ATAC-STARR-seq lymphoblastoid silent region 14147; plus strand). Cytogenetic location: 3p24.2.
Variant type: Deletion.
Other names: NM_018297.4:c.-5705_246+6066del.
Identifiers: ClinVar variation 5042738 (VCV005042738.1).